The following is an entry in ClinVar:

ClinVar aggregate classification (germline): Uncertain significance. Review status: criteria provided, multiple submitters, no conflicts (2 of 4 stars). 5 submissions from 5 submitters: Uncertain significance (5). Last evaluated 2025-11-27.

Conditions:
Inborn genetic diseases. Identifiers: MedGen C0950123, MeSH D030342.
Muscular dystrophy-dystroglycanopathy (congenital with brain and eye anomalies), type A2. Also called: WALKER-WARBURG SYNDROME OR MUSCLE-EYE-BRAIN DISEASE, POMT2-RELATED; MUSCULAR DYSTROPHY-DYSTROGLYCANOPATHY (CONGENITAL WITH BRAIN AND EYE ANOMALIES), TYPE A, 2. Identifiers: Orphanet 588, Orphanet 899, MedGen C3150411, MONDO:0013154, OMIM 613150.
Muscular dystrophy-dystroglycanopathy (congenital with impaired intellectual development), type B, 2. Also called: Muscular dystrophy-dystroglycanopathy (congenital with intellectual disability), type B2; MUSCULAR DYSTROPHY, CONGENITAL, POMT2-RELATED. Identifiers: MedGen C3150416, MONDO:0013160, OMIM 613156.
Autosomal recessive limb-girdle muscular dystrophy type 2N. Also called: MUSCULAR DYSTROPHY-DYSTROGLYCANOPATHY, LIMB-GIRDLE, POMT2-RELATED; Muscular dystrophy-dystroglycanopathy (limb-girdle), type C, 2. Identifiers: Orphanet 206559, MedGen C3150418, MONDO:0013162, OMIM 613158.

Allele frequency attached by ClinVar (database versions not stated): ExAC 0.00008; ESP Exome Variant Server 0.00008; gnomAD 0.00004 and 0.00003; TOPMed 0.00004; gnomAD exomes 0.00004 and 0.00006.
gnomAD v4.1: 61 of 1,613,722 alleles (0.0038%); highest among the groups gnomAD compares: South Asian, 0.0055%; no homozygotes.

Submissions (5):

Labcorp Genetics (formerly Invitae), Labcorp
Classification: Uncertain significance for Muscular dystrophy-dystroglycanopathy (congenital with impaired intellectual development), type B, 2; Muscular dystrophy-dystroglycanopathy (congenital with brain and eye anomalies), type A2; Autosomal recessive limb-girdle muscular dystrophy type 2N. Last evaluated: 2025-11-27. Review status: criteria provided, single submitter. Criteria: Invitae Variant Classification Sherloc (09022015). Collection method: clinical testing. Allele origin: germline.
Comment: This sequence change replaces arginine, which is basic and polar, with cysteine, which is neutral and slightly polar, at codon 578 of the POMT2 protein (p.Arg578Cys). This variant is present in population databases (rs148466370, gnomAD 0.01%). This variant has not been reported in the literature in individuals affected with POMT2-related conditions. ClinVar contains an entry for this variant (Variation ID: 283109). Invitae Evidence Modeling of protein sequence and biophysical properties (such as structural, functional, and spatial information, amino acid conservation, physicochemical variation, residue mobility, and thermodynamic stability) has been performed for this missense variant. However, the output from this modeling did not meet the statistical confidence thresholds required to predict the impact of this variant on POMT2 protein function. Algorithms developed to predict the effect of sequence changes on RNA splicing suggest that this variant may disrupt the consensus splice site. In summary, the available evidence is currently insufficient to determine the role of this variant in disease. Therefore, it has been classified as a Variant of Uncertain Significance.

Ambry Genetics
Classification: Uncertain significance for Inborn genetic diseases. Last evaluated: 2025-05-26. Review status: criteria provided, single submitter. Criteria: Ambry Variant Classification Scheme 2023. Collection method: clinical testing. Allele origin: germline.

Revvity Omics, Revvity
Classification: Uncertain significance. Last evaluated: 2019-05-22. Review status: criteria provided, single submitter. Criteria: ACMG Guidelines, 2015. Collection method: clinical testing. Allele origin: germline.

CeGaT Center for Human Genetics Tuebingen
Classification: Uncertain significance. Last evaluated: 2018-09-01. Review status: criteria provided, single submitter. Criteria: CeGaT Center For Human Genetics Tuebingen Variant Classification Criteria Version 2. Collection method: clinical testing. Allele origin: germline. Affected: yes. Observed: 1 variant allele.

Eurofins Ntd Llc (ga)
Classification: Uncertain significance. Last evaluated: 2017-10-17. Review status: criteria provided, single submitter. Criteria: EGL Classification Definitions 2015. Collection method: clinical testing. Allele origin: germline. Observed: 4 variant alleles, 4 heterozygotes.

NM_013382.7(POMT2):c.1732C>T (p.Arg578Cys)

Gene: POMT2 (protein O-mannosyltransferase 2; minus strand). Cytogenetic location: 14q24.3.
Variant type: single nucleotide variant.
Coding change: c.1732C>T on transcript NM_013382.7 (MANE Select); coding-DNA position 1732, C replaced by T.
Protein change: p.Arg578Cys; replaces arginine 578 with cysteine.
Molecular consequence: missense variant.
Genome position (GRCh38, 1-based): chr14:77,280,074, G>A on the plus strand (C>T on the coding strand, the complement: POMT2 is on the minus strand). VCF-style: chr14-77280074-G-A. GRCh37 (hg19) VCF-style: chr14-77746417-G-A.
Other names: short protein forms R578C.
Identifiers: ClinVar variation 283109 (VCV000283109.55), dbSNP rs148466370, ClinGen allele CA7285726.